The following is an entry in ClinVar:

ClinVar aggregate classification (germline): Pathogenic (1 of 4 stars; one submission).

Conditions:
Neurofibromatosis, type 1 (NF1). Also called: Peripheral type neurofibromatosis; VON RECKLINGHAUSEN DISEASE; Neurofibromatosis, type I; NEUROFIBROMATOSIS, TYPE I, SOMATIC. Identifiers: Orphanet 636, MedGen C0027831, MONDO:0018975, OMIM 162200. Disease mechanism: loss of function.

Submission:

Labcorp Genetics (formerly Invitae), Labcorp
Classification: Pathogenic for Neurofibromatosis, type 1. Last evaluated: 2023-11-24. Review status: criteria provided, single submitter. Criteria: Invitae Variant Classification Sherloc (09022015). Collection method: clinical testing. Allele origin: germline.
Comment: This sequence change creates a premature translational stop signal (p.Ala2298Leufs*27) in the NF1 gene. It is expected to result in an absent or disrupted protein product. Loss-of-function variants in NF1 are known to be pathogenic (PMID: 10712197, 23913538). This variant is not present in population databases (gnomAD no frequency). This variant has not been reported in the literature in individuals affected with NF1-related conditions. For these reasons, this variant has been classified as Pathogenic.

Literature cited by the submitters: PubMed 10712197; PubMed 23913538.

NM_001042492.3(NF1):c.6954del (p.Ala2319fs)

Gene: NF1 (neurofibromin 1; plus strand). Cytogenetic location: 17q11.2.
Variant type: Deletion.
Coding change: c.6954del on transcript NM_001042492.3 (MANE Select); coding-DNA position 6954, one base deleted (A; older notation c.6954delA).
Protein change: p.Ala2319fs; shifts the reading frame from alanine 2319.
Molecular consequence: frameshift variant.
Genome position (GRCh38, 1-based): chr17:31,340,537, A deleted. VCF-style (leftmost placement, unchanged base first): chr17-31340536-TA-T. GRCh37 (hg19) VCF-style: chr17-29667554-TA-T.
Other names: c.6891delA, p.Ala2298Leufs (NM_000267.4); short protein forms A2319fs, A2298fs.
Identifiers: ClinVar variation 2698216 (VCV002698216.3), dbSNP rs2508770065, ClinGen allele CA2697559654.
Genomic context (GRCh38, chr17:31,340,536, plus strand): 5'-ACTAGCCTCAAACATATCTTCTTTGCCAGGACTCGCCTCTGCACAAAGCCCTCTTTTGGG[TA>T]GCTGTGGCTGTGCTGCAGCTTGATGAGGTCAACTTGTATTCAGCAGGTACCGCACTTCTT-3'